The following is an entry in ClinVar:

ClinVar aggregate classification (germline): Likely benign. Review status: criteria provided, multiple submitters, no conflicts (2 of 4 stars). 2 submissions from 2 submitters: Likely benign (2). Last evaluated 2022-11-04.

Conditions:
Early-infantile DEE. Also called: Ohtahara syndrome; Early infantile epileptic encephalopathy; Early infantile epileptic encephalopathy with suppression bursts. Identifiers: Orphanet 1934, MedGen C0393706, MONDO:0800491.

Submissions (2):

Labcorp Genetics (formerly Invitae), Labcorp
Classification: Likely benign for Early-infantile DEE. Last evaluated: 2022-11-04. Review status: criteria provided, single submitter. Criteria: Invitae Variant Classification Sherloc (09022015). Collection method: clinical testing. Allele origin: germline.

GeneDx
Classification: Likely benign. Last evaluated: 2017-03-02. Review status: criteria provided, single submitter. Criteria: GeneDx Variant Classification (06012015). Collection method: clinical testing. Allele origin: germline. Affected: yes.
Comment: This variant is considered likely benign or benign based on one or more of the following criteria: it is a conservative change, it occurs at a poorly conserved position in the protein, it is predicted to be benign by multiple in silico algorithms, and/or has population frequency not consistent with disease.

NM_001130438.3(SPTAN1):c.906A>G (p.Arg302=)

Gene: SPTAN1 (spectrin alpha, non-erythrocytic 1; plus strand). Cytogenetic location: 9q34.11.
Variant type: single nucleotide variant.
Coding change: c.906A>G on transcript NM_001130438.3 (MANE Select); coding-DNA position 906, A replaced by G.
Protein change: p.Arg302=; no amino-acid change (arginine 302 retained).
Molecular consequence: synonymous variant.
Genome position (GRCh38, 1-based): chr9:128,577,249, A>G. VCF-style: chr9-128577249-A-G. GRCh37 (hg19) VCF-style: chr9-131339528-A-G.
Other names: c.906A>G, p.Arg302= (NM_001195532.2, NM_001363759.2, NM_001363765.2 and 1 more transcripts).
Identifiers: ClinVar variation 507666 (VCV000507666.10), dbSNP rs1554741933, ClinGen allele CA467484176.